The following is an entry in ClinVar:

ClinVar aggregate classification (germline): Uncertain significance. Review status: criteria provided, multiple submitters, no conflicts (2 of 4 stars). 2 submissions from 2 submitters: Uncertain significance (2). Last evaluated 2024-01-01.

Allele frequency attached by ClinVar (database versions not stated): gnomAD 0.00001; gnomAD exomes 0.00001; TOPMed 0.00001.
gnomAD v4.1: 4 of 1,209,895 alleles (0.00033%); highest among the groups gnomAD compares: Non-Finnish European, 0.00045%; no homozygotes.

Submissions (2):

CeGaT Center for Human Genetics Tuebingen
Classification: Uncertain significance. Last evaluated: 2024-01-01. Review status: criteria provided, single submitter. Criteria: CeGaT Center For Human Genetics Tuebingen Variant Classification Criteria Version 2. Collection method: clinical testing. Allele origin: germline. Affected: yes. Observed: 1 variant allele.
Comment: TAF1: PM2, BP4

Labcorp Genetics (formerly Invitae), Labcorp
Classification: Uncertain significance. Last evaluated: 2023-11-13. Review status: criteria provided, single submitter. Criteria: Invitae Variant Classification Sherloc (09022015). Collection method: clinical testing. Allele origin: germline.
Comment: This sequence change replaces serine, which is neutral and polar, with isoleucine, which is neutral and non-polar, at codon 1699 of the TAF1 protein (p.Ser1699Ile). This variant is present in population databases (no rsID available, gnomAD 0.001%), including at least one homozygous and/or hemizygous individual. This variant has not been reported in the literature in individuals affected with TAF1-related conditions. ClinVar contains an entry for this variant (Variation ID: 1918902). An algorithm developed to predict the effect of missense changes on protein structure and function (PolyPhen-2) suggests that this variant is likely to be tolerated. In summary, the available evidence is currently insufficient to determine the role of this variant in disease. Therefore, it has been classified as a Variant of Uncertain Significance.

NM_004606.5(TAF1):c.5036G>T (p.Ser1679Ile)

Gene: TAF1 (TATA-box binding protein associated factor 1; plus strand). Cytogenetic location: Xq13.1.
Variant type: single nucleotide variant.
Coding change: c.5036G>T on transcript NM_004606.5 (MANE Select); coding-DNA position 5036, G replaced by T.
Protein change: p.Ser1679Ile; replaces serine 1679 with isoleucine.
Molecular consequence: missense variant. On other transcripts: non-coding transcript variant (9).
Genome position (GRCh38, 1-based): chrX:71,458,338, G>T. VCF-style: chrX-71458338-G-T. GRCh37 (hg19) VCF-style: chrX-70678188-G-T.
Other names: c.5042G>T, p.Ser1681Ile (NM_001286074.2); c.4973G>T, p.Ser1658Ile (NM_138923.4); short protein forms S1681I, S1679I, S1658I.
Identifiers: ClinVar variation 1918902 (VCV001918902.27), dbSNP rs966497425, ClinGen allele CA413527244.
Genomic context (GRCh38, chrX:71,458,338, plus strand): 5'-TGTCTCGAGATGCCTCTGTATTTCAAGATGAGAGCAATATGTCTGTCTTGGATATTCCCA[G>T]TGCCACTCCAGAAAAGCAGGTAACACAGGTAGGATGTTCTTTTTCTCTTTATAAGATTGT-3'
Protein context (NP_004597.3, residues 1669-1689): ESNMSVLDIP[Ser1679Ile]ATPEKQVTQE